The following is an entry in ClinVar:

ClinVar aggregate classification (germline): Pathogenic. Review status: criteria provided, multiple submitters, no conflicts (2 of 4 stars). 12 submissions from 12 submitters: Pathogenic (11). 1 of the submissions does not count toward it. Last evaluated 2025-08-14.

Conditions:
Renal coloboma syndrome (PAPRS). Also called: COLOBOMA OF OPTIC NERVE WITH RENAL DISEASE; CONGENITAL ANOMALIES OF THE KIDNEY AND URINARY TRACT WITH OR WITHOUT OCULAR ABNORMALITIES; CAKUT WITH OR WITHOUT OCULAR ABNORMALITIES; PAPILLORENAL SYNDROME WITH MILD OCULAR ABNORMALITIES; PAPILLORENAL SYNDROME; OPTIC COLOBOMA, VESICOURETERAL REFLUX, AND RENAL ANOMALIES. Identifiers: Orphanet 1475, MedGen C1852759, MONDO:0007352, OMIM 120330.
Focal segmental glomerulosclerosis 7 (FSGS7). Identifiers: Orphanet 656, MedGen C4014925, MONDO:0014451, OMIM 616002.
PAX2-Related Disorder. Also called: PAX2-related disorders. Identifiers: MedGen CN381309.

Submissions (12):

Labcorp Genetics (formerly Invitae), Labcorp
Classification: Pathogenic for Renal coloboma syndrome; Focal segmental glomerulosclerosis 7. Last evaluated: 2025-08-14. Review status: criteria provided, single submitter. Criteria: Invitae Variant Classification Sherloc (09022015). Collection method: clinical testing. Allele origin: germline.
Comment: This sequence change creates a premature translational stop signal (p.Val26Cysfs*3) in the PAX2 gene. It is expected to result in an absent or disrupted protein product. Loss-of-function variants in PAX2 are known to be pathogenic (PMID: 11461952, 24676634, 35444690). This variant is not present in population databases (gnomAD no frequency). This premature translational stop signal has been observed in individual(s) with clinical features of PAX2-related conditions (PMID: 27657687, 28566479). This variant is also known as c.70delG (p.G24fs). ClinVar contains an entry for this variant (Variation ID: 13801). For these reasons, this variant has been classified as Pathogenic.

Victorian Clinical Genetics Services, Murdoch Childrens Research Institute
Classification: Pathogenic for Focal segmental glomerulosclerosis 7. Last evaluated: 2025-06-27. Review status: criteria provided, single submitter. Criteria: ACMG Guidelines, 2015. Collection method: clinical testing. Allele origin: germline. Affected: yes.
Comment: This variant is classified as Pathogenic. Evidence in support of pathogenic classification: Variant is predicted to result in a truncated protein with at least 1/3 of the protein sequence affected (premature termination codon is located within the first 102 nucleotides of the coding sequence and is predicted to escape nonsense-mediated decay); Variant is present in gnomAD <0.001 for a dominant condition (v4: 2 heterozygote(s), 0 homozygote(s)); This variant has strong previous evidence of pathogenicity in unrelated individuals. This variant has been classified as pathogenic by multiple clinical laboratories in ClinVar, and reported in the literature in multiple affected individuals (PMID: 36549658). Additionally, it has been been seen in an affected individual in DECIPHER. - Other 5' NMD-escape variant(s) comparable to the one identified in this case have moderate previous evidence for pathogenicity (ClinVar, PMID: 11093271) Additional information: This variant is heterozygous; This gene is associated with autosomal dominant disease; Loss of function is a known mechanism of disease in this gene and is associated with focal segmental glomerulosclerosis, 7 (MIM#616002); Variants in this gene are known to have variable expressivity (PMIDs: 20301624, 34696790); Inheritance information for this variant is not currently available in this individual.

GeneDx
Classification: Pathogenic. Last evaluated: 2025-05-02. Review status: criteria provided, single submitter. Criteria: GeneDx Variant Classification Process June 2021. Collection method: clinical testing. Allele origin: germline. Affected: yes.
Comment: Frameshift variant predicted to result in protein truncation or nonsense mediated decay in a gene for which loss of function is a known mechanism of disease; Not observed in large population cohorts (gnomAD); Also known as 619delG and c.70delG; This variant is associated with the following publications: (PMID: 28566479, 10466411, 10533062, 21654726, 27657687, 31060108, 34031707, 36549658, 31328266, 22213154)

Department of Pediatrics, Seoul National University Bundang Hospital
Classification: Pathogenic for Renal coloboma syndrome. Last evaluated: 2024-12-01. Review status: criteria provided, single submitter. Criteria: ACMG Guidelines, 2015. Collection method: clinical testing. Allele origin: unknown. Inheritance: Autosomal dominant inheritance. Observed: 1 variant allele.
Comment: The p.Val26CysfsTer3 is a frameshirt variant and is regarded as pathogenic (PVS1, PM2, PP5, according to ACMG criteria). It has been reported in the following publications (PMID: 32203253, 10533062)

Gharavi Laboratory, Columbia University
Classification: Pathogenic for Papillorenal syndrome. Last evaluated: 2024-11-05. Review status: criteria provided, single submitter. Criteria: ACMG Guidelines, 2015. Collection method: case-control. Allele origin: germline. Affected: yes.

Fulgent Genetics
Classification: Pathogenic for Renal coloboma syndrome; Focal segmental glomerulosclerosis 7. Last evaluated: 2024-03-20. Review status: criteria provided, single submitter. Criteria: ACMG Guidelines, 2015. Collection method: clinical testing. Allele origin: germline.

3billion
Classification: Pathogenic for Renal coloboma syndrome. Last evaluated: 2024-03-07. Review status: criteria provided, single submitter. Criteria: ACMG Guidelines, 2015. Collection method: clinical testing. Allele origin: germline. Affected: yes.
Comment: The variant is not observed in the gnomAD v2.1.1 dataset. Predicted Consequence/Location: Frameshift: predicted to result in a loss or disruption of normal protein function through nonsense-mediated decay (NMD) or protein truncation. Multiple pathogenic variants are reported downstream of the variant. The variant has been reported at least twice as pathogenic with clinical assertions and evidence for the classification (ClinVar ID: VCV000013801 /PMID: 10466411 /3billion dataset). Therefore, this variant is classified as Pathogenic according to the recommendation of ACMG/AMP guideline.

Illumina Laboratory Services, Illumina
Classification: Pathogenic for PAX2-related disorder. Last evaluated: 2023-09-13. Review status: criteria provided, single submitter. Criteria: ICSLVariantClassificationCriteria RUGD 01 April 2020. Collection method: clinical testing. Allele origin: unknown.
Comment: The PAX2 c.76del (p.Val26CysfsTer3) variant causes a shift in the protein reading frame that is predicted to result in premature termination of the protein. Loss of normal protein function through either protein truncation or nonsense-mediated mRNA decay is expected. The p.Val26CysfsTer3 variant has been reported in a heterozygous state in at least six individuals with chronic kidney disease, renal malformations, and variable ocular phenotypes. The variant was confirmed de novo in three of these individuals and inherited from an affected parent in one individual (PMID: 21108633; 28566479; 32203253; 36549658). This variant is not observed in version 2.1.1 or version 3.1.2 of the Genome Aggregation Database. This variant was identified in a de novo state. Based on the available evidence, the c.76del (p.Val26CysfsTer3) variant is classified as pathogenic for PAX2-related disorder.

Institute of Human Genetics Munich, TUM University Hospital
Classification: Pathogenic for Renal coloboma syndrome. Last evaluated: 2023-07-14. Review status: criteria provided, single submitter. Criteria: Classification criteria August 2017. Collection method: clinical testing. Allele origin: germline. Inheritance: Autosomal dominant inheritance. Affected: yes. Observed: 1 variant allele.

Neuberg Centre For Genomic Medicine, NCGM
Classification: Pathogenic for Renal coloboma syndrome. Last evaluated: 2023-06-22. Review status: criteria provided, single submitter. Criteria: ACMG Guidelines, 2015. Collection method: clinical testing. Allele origin: germline. Inheritance: Autosomal dominant inheritance. Affected: yes.
Comment: The frameshift variant c.76del(p.Val26CysfsTer3) in PAX2 gene has been observed in heterozygous state in individual(s) with clinical features of PAX2-related conditions (Bekheirnia et. al., 2017; Heidet et. al., 2017). It is found to be segregating in disease related individuals (Bekheirnia et. al., 2017). This variant is also known as c.70delG (p.G24fs). The observed variant is absent in gnomAD exomes database. This variant has been submitted to the ClinVar database as Pathogenic (multiple submitters). This variant causes a frameshift starting with codon Valine 26, changes this amino acid to Cysteine residue, and creates a premature Stop codon at position 3 of the new reading frame, denoted p.Val26CysfsTer3. It is expected to result in an absent or disrupted protein product. Loss-of-function variants in PAX2 are known to be pathogenic (Barua et. al., 2014). For these reasons, this variant has been classified as Pathogenic.

Lupski Lab, Baylor-Hopkins CMG, Baylor College of Medicine
Classification: Pathogenic for Renal coloboma syndrome. Review status: criteria provided, single submitter. Criteria: Bekheirnia et al. (Genet Med. 2016). Collection method: research. Allele origin: paternal. Inheritance: Autosomal dominant inheritance. Affected: yes. Observed: 1 heterozygote.

OMIM
Classification: Pathogenic for PAPILLORENAL SYNDROME. Last evaluated: 2012-03-01. Review status: no assertion criteria provided. Collection method: literature only. Allele origin: germline. Not counted in ClinVar's aggregate classification.

Literature cited by the submitters: PubMed 11461952 (cited by Labcorp Genetics (formerly Invitae), Labcorp); PubMed 24676634 (cited by Labcorp Genetics (formerly Invitae), Labcorp); PubMed 35444690 (cited by Labcorp Genetics (formerly Invitae), Labcorp); PubMed 27657687 (cited by Labcorp Genetics (formerly Invitae), Labcorp); PubMed 28566479 (cited by Labcorp Genetics (formerly Invitae), Labcorp and Illumina Laboratory Services, Illumina); PubMed 20301624 (cited by Victorian Clinical Genetics Services, Murdoch Childrens Research Institute); PubMed 11093271 (cited by Victorian Clinical Genetics Services, Murdoch Childrens Research Institute); PubMed 34696790 (cited by Victorian Clinical Genetics Services, Murdoch Childrens Research Institute); PubMed 36549658 (cited by Victorian Clinical Genetics Services, Murdoch Childrens Research Institute and Illumina Laboratory Services, Illumina); PubMed 32203253 (cited by Department of Pediatrics, Seoul National University Bundang Hospital and Illumina Laboratory Services, Illumina); PubMed 10533062 (cited by Department of Pediatrics, Seoul National University Bundang Hospital and OMIM); PubMed 10466411 (cited by 3billion); PubMed 21108633 (cited by Illumina Laboratory Services, Illumina); PubMed 22213154 (cited by OMIM).

NM_000278.5(PAX2):c.76del (p.Val26fs)

Gene: PAX2 (paired box 2; plus strand). Cytogenetic location: 10q24.31.
Variant type: Deletion.
Coding change: c.76del on transcript NM_000278.5 (MANE Select); coding-DNA position 76, one base deleted (G; older notation c.76delG).
Protein change: p.Val26fs; shifts the reading frame from valine 26.
Molecular consequence: frameshift variant.
Genome position (GRCh38, 1-based): chr10:100,749,778, G deleted; the last of 7 consecutive G bases (chr10:100,749,772-100,749,778); deleting any one gives the same sequence. VCF-style (leftmost placement, unchanged base first): chr10-100749771-CG-C. GRCh37 (hg19) VCF-style: chr10-102509528-CG-C.
Other names: c.76del (NM_003990.3); c.76delG (NM_003990.5, NM_000278.5); c.169del, p.Val57fs (NM_001304569.2); c.76del, p.Val26fs (NM_003987.5, NM_003988.5, NM_003989.5 and 1 more transcripts); short protein forms V26fs, V57fs.
Identifiers: ClinVar variation 13801 (VCV000013801.18), dbSNP rs75462234, ClinGen allele CA256974.